The following is an entry in ClinVar:

ClinVar aggregate classification (germline): Uncertain significance (1 of 4 stars; one submission).

Conditions:
NSD1-related disorder. Also called: NSD1-related condition.

Submission:

PreventionGenetics, part of Exact Sciences
Classification: Uncertain significance for NSD1-related condition. Last evaluated: 2023-06-30. Review status: criteria provided, single submitter. Criteria: ACMG Guidelines, 2015. Collection method: clinical testing. Allele origin: germline.
Comment: The NSD1 c.319G>A variant is predicted to result in the amino acid substitution p.Ala107Thr. To our knowledge, this variant has not been reported in the literature or in a large population database, indicating this variant is rare. At this time, the clinical significance of this variant is uncertain due to the absence of conclusive functional and genetic evidence.

NM_022455.5(NSD1):c.319G>A (p.Ala107Thr)

Gene: NSD1 (nuclear receptor binding SET domain protein 1; plus strand). Cytogenetic location: 5q35.3.
Variant type: single nucleotide variant.
Coding change: c.319G>A on transcript NM_022455.5 (MANE Select); coding-DNA position 319, G replaced by A.
Protein change: p.Ala107Thr; replaces alanine 107 with threonine.
Molecular consequence: missense variant. On other transcripts: intron variant (7).
Genome position (GRCh38, 1-based): chr5:177,135,422, G>A. VCF-style: chr5-177135422-G-A. GRCh37 (hg19) VCF-style: chr5-176562423-G-A.
Other names: c.319G>A, p.Ala107Thr (NM_001409301.1, NM_001409302.1, NM_001409303.1 and 1 more transcripts); c.-37+222G>A (NM_001409305.1, NM_001409306.1, NM_001409308.1 and 4 more transcripts); short protein forms A107T.
Identifiers: ClinVar variation 2631429 (VCV002631429.1), dbSNP rs2480087492, ClinGen allele CA362292646.